The following is an entry in ClinVar:

ClinVar aggregate classification (germline): Benign. Review status: criteria provided, multiple submitters, no conflicts (2 of 4 stars). 2 submissions from 2 submitters: Benign (2). Last evaluated 2018-06-19.

Allele frequency attached by ClinVar (database versions not stated): 1000 Genomes Project 30x 0.09291; 1000 Genomes Project 0.09345; TOPMed 0.14980; gnomAD 0.15532 and 0.15840; gnomAD exomes 0.18376.
gnomAD v4.1: 136,390 of 763,134 alleles (18%); highest among the groups gnomAD compares: Middle Eastern, 27%; 14,116 homozygotes.

Submissions (2):

GeneDx
Classification: Benign. Last evaluated: 2018-06-19. Review status: criteria provided, single submitter. Criteria: GeneDx Variant Classification (06012015). Collection method: clinical testing. Allele origin: germline. Affected: yes.
Comment: This variant is considered likely benign or benign based on one or more of the following criteria: it is a conservative change, it occurs at a poorly conserved position in the protein, it is predicted to be benign by multiple in silico algorithms, and/or has population frequency not consistent with disease.

Breakthrough Genomics
Classification: Benign. Review status: criteria provided, single submitter. Criteria: ACMG Guidelines, 2015. Collection method: not provided. Allele origin: germline. Inheritance: Autosomal dominant inheritance. Affected: yes.

NM_022114.4(PRDM16):c.574-92C>T

Gene: PRDM16 (PR/SET domain 16; plus strand). Cytogenetic location: 1p36.32.
Variant type: single nucleotide variant.
Coding change: c.574-92C>T on transcript NM_022114.4 (MANE Select); 92 bases into the intron before coding-DNA position 574, C replaced by T.
Molecular consequence: intron variant.
Genome position (GRCh38, 1-based): chr1:3,396,399, C>T. VCF-style: chr1-3396399-C-T. GRCh37 (hg19) VCF-style: chr1-3312963-C-T.
Other names: c.574-92C>T (NM_199454.3).
Identifiers: ClinVar variation 674729 (VCV000674729.2), dbSNP rs12726710, ClinGen allele CA10918132.